The following is an entry in ClinVar:

ClinVar aggregate classification (germline): Uncertain significance (1 of 4 stars; one submission).

Submission:

Ambry Genetics
Classification: Uncertain significance. Last evaluated: 2024-04-22. Review status: criteria provided, single submitter. Criteria: Ambry Variant Classification Scheme 2023. Collection method: clinical testing. Allele origin: germline.
Comment: The c.17C>G (p.A6G) alteration is located in exon (coding exon ) of the SAMD1 gene. This alteration results from a C to G substitution at nucleotide position 17, causing the alanine (A) at amino acid position 6 to be replaced by a glycine (G). Based on insufficient or conflicting evidence, the clinical significance of this alteration remains unclear.

NM_138352.3(SAMD1):c.17C>G (p.Ala6Gly)

Gene: SAMD1 (sterile alpha motif domain containing 1; minus strand). Cytogenetic location: 19p13.12.
Variant type: single nucleotide variant.
Coding change: c.17C>G on transcript NM_138352.3 (MANE Select); coding-DNA position 17, C replaced by G.
Protein change: p.Ala6Gly; replaces alanine 6 with glycine.
Molecular consequence: missense variant.
Genome position (GRCh38, 1-based): chr19:14,090,404, G>C on the plus strand (C>G on the coding strand, the complement: SAMD1 is on the minus strand). VCF-style: chr19-14090404-G-C. GRCh37 (hg19) VCF-style: chr19-14201216-G-C.
Other names: short protein forms A6G.
Identifiers: ClinVar variation 3316068 (VCV003316068.1).